The following is an entry in ClinVar:

ClinVar aggregate classification (germline): Uncertain significance (1 of 4 stars; one submission).

Allele frequency attached by ClinVar (database versions not stated): TOPMed below 0.00001.
gnomAD v4.1: 1 of 1,513,368 alleles (0.000066%); highest among the groups gnomAD compares: African/African-American, 0.0014%; no homozygotes.

Submission:

Labcorp Genetics (formerly Invitae), Labcorp
Classification: Uncertain significance. Last evaluated: 2022-09-27. Review status: criteria provided, single submitter. Criteria: Invitae Variant Classification Sherloc (09022015). Collection method: clinical testing. Allele origin: germline.
Comment: This sequence change replaces serine, which is neutral and polar, with threonine, which is neutral and polar, at codon 1915 of the EYS protein (p.Ser1915Thr). This variant is not present in population databases (gnomAD no frequency). This variant has not been reported in the literature in individuals affected with EYS-related conditions. ClinVar contains an entry for this variant (Variation ID: 1034551). Algorithms developed to predict the effect of missense changes on protein structure and function (SIFT, PolyPhen-2, Align-GVGD) all suggest that this variant is likely to be tolerated. In summary, the available evidence is currently insufficient to determine the role of this variant in disease. Therefore, it has been classified as a Variant of Uncertain Significance.

NM_001142800.2(EYS):c.5744G>C (p.Ser1915Thr)

Gene: EYS (EGF-like photoreceptor maintenance factor; minus strand). Cytogenetic location: 6q12.
Variant type: single nucleotide variant.
Coding change: c.5744G>C on transcript NM_001142800.2 (MANE Select); coding-DNA position 5744, G replaced by C.
Protein change: p.Ser1915Thr; replaces serine 1915 with threonine.
Molecular consequence: missense variant.
Genome position (GRCh38, 1-based): chr6:64,439,253, C>G on the plus strand (G>C on the coding strand, the complement: EYS is on the minus strand). VCF-style: chr6-64439253-C-G. GRCh37 (hg19) VCF-style: chr6-65149146-C-G.
Other names: c.5744G>C, p.Ser1915Thr (NM_001292009.2); short protein forms S1915T.
Identifiers: ClinVar variation 1034551 (VCV001034551.8), dbSNP rs1774855257, ClinGen allele CA364392701.
Genomic context (GRCh38, chr6:64,439,253, plus strand): 5'-ATAAAAAATCCATCTACTAAATTTGAGTCTTGCTTGACATACAGCAGAAGTCCATAGGAG[C>G]TGAAGGTCTGAAATTCTAGGGAGATGTTATTTTGTGGATTTAAAGCCACATTCTGAAATT-3'
Protein context (NP_001136272.1, residues 1905-1925): NNISLEFQTF[Ser1915Thr]SYGLLLYVKQ